The following is an entry in ClinVar:

NM_001371279.1(REEP1):c.545A>C (p.His182Pro)

Gene: REEP1 (receptor accessory protein 1; minus strand). Cytogenetic location: 2p11.2.
Variant type: single nucleotide variant.
Coding change: c.545A>C on transcript NM_001371279.1 (MANE Select); coding-DNA position 545, A replaced by C.
Protein change: p.His182Pro; replaces histidine 182 with proline.
Molecular consequence: missense variant. On other transcripts: intron variant (1).
Genome position (GRCh38, 1-based): chr2:86,232,675, T>G on the plus strand (A>C on the coding strand, the complement: REEP1 is on the minus strand). VCF-style: chr2-86232675-T-G. GRCh37 (hg19) VCF-style: chr2-86459798-T-G.
Other names: c.566A>C, p.His189Pro (NM_001164730.2); c.464A>C, p.His155Pro (NM_001164731.2); c.310A>C, p.Thr104Pro (NM_001164732.2); c.545A>C, p.His182Pro (NM_022912.3); c.418-15565A>C (NM_001371280.1); c.545A>C (NM_022912.2); short protein forms H182P, T104P, H155P, H189P.
Identifiers: ClinVar variation 1042469 (VCV001042469.10), dbSNP rs1675091136, ClinGen allele CA347547210.
Genomic context (GRCh38, chr2:86,232,675, plus strand): 5'-TGACACCTACCTGAGCTGCTAGCGCTCTCAGAAGCACTCCTGGACATCTTAGGCTGGCCG[T>G]GTTTGCCGCTGGCCCGCCCAGACCCCGGTGGTGGGGGGCCCGAGGGAGCAGGGGCGCCGT-3'
Protein context (NP_001358208.1, residues 172-192): PPGSGRASGK[His182Pro]GQPKMSRSAS

ClinVar aggregate classification (germline): Uncertain significance. Review status: criteria provided, multiple submitters, no conflicts (2 of 4 stars). 2 submissions from 2 submitters: Uncertain significance (2). Last evaluated 2025-12-02.

Conditions:
Inborn genetic diseases. Identifiers: MedGen C0950123, MeSH D030342.
Hereditary spastic paraplegia 31. Also called: SPASTIC PARAPLEGIA 31, AUTOSOMAL DOMINANT. Identifiers: Orphanet 101011, MedGen C1853247, MONDO:0012453, OMIM 610250.

Allele frequency attached by ClinVar (database versions not stated): gnomAD exomes below 0.00001; gnomAD 0.00001.
gnomAD v4.1: 2 of 1,612,422 alleles (0.00012%); highest among the groups gnomAD compares: African/African-American, 0.0027%; no homozygotes.

Submissions (2):

Ambry Genetics
Classification: Uncertain significance for Inborn genetic diseases. Last evaluated: 2025-12-02. Review status: criteria provided, single submitter. Criteria: Ambry Variant Classification Scheme 2023. Collection method: clinical testing. Allele origin: germline.

Labcorp Genetics (formerly Invitae), Labcorp
Classification: Uncertain significance for Hereditary spastic paraplegia 31. Last evaluated: 2023-02-08. Review status: criteria provided, single submitter. Criteria: Invitae Variant Classification Sherloc (09022015). Collection method: clinical testing. Allele origin: germline.
Comment: In summary, the available evidence is currently insufficient to determine the role of this variant in disease. Therefore, it has been classified as a Variant of Uncertain Significance. Algorithms developed to predict the effect of missense changes on protein structure and function are either unavailable or do not agree on the potential impact of this missense change (SIFT: "Tolerated"; PolyPhen-2: "Possibly Damaging"; Align-GVGD: "Class C0"). ClinVar contains an entry for this variant (Variation ID: 1042469). This variant has not been reported in the literature in individuals affected with REEP1-related conditions. This variant is not present in population databases (gnomAD no frequency). This sequence change replaces histidine, which is basic and polar, with proline, which is neutral and non-polar, at codon 182 of the REEP1 protein (p.His182Pro).